The following is an entry in ClinVar:

ClinVar aggregate classification (germline): Likely benign. Review status: criteria provided, multiple submitters, no conflicts (2 of 4 stars). 4 submissions from 4 submitters: Likely benign (4). Last evaluated 2025-10-23.

Conditions:
DNAJC3-related disorder. Also called: DNAJC3-related condition.

Allele frequency attached by ClinVar (database versions not stated): gnomAD exomes 0.00001 and 0.00002; TOPMed 0.00002; ExAC 0.00003; gnomAD 0.00001.
gnomAD v4.1: 28 of 1,599,420 alleles (0.0018%); highest among the groups gnomAD compares: Middle Eastern, 0.083%; no homozygotes.

Submissions (4):

PreventionGenetics, part of Exact Sciences
Classification: Likely benign for DNAJC3-related condition. Last evaluated: 2025-10-23. Review status: criteria provided, single submitter. Criteria: ACMG Guidelines, 2015. Collection method: clinical testing. Allele origin: germline.
Comment: This variant is classified as likely benign based on ACMG/AMP sequence variant interpretation guidelines (Richards et al. 2015 PMID: 25741868, with internal and published modifications).

Blueprint Genetics
Classification: Likely benign. Last evaluated: 2024-09-17. Review status: criteria provided, single submitter. Criteria: ACMG Guidelines, 2015. Collection method: clinical testing. Allele origin: germline.

Labcorp Genetics (formerly Invitae), Labcorp
Classification: Likely benign. Last evaluated: 2019-12-31. Review status: criteria provided, single submitter. Criteria: Invitae Variant Classification Sherloc (09022015). Collection method: clinical testing. Allele origin: germline.

Breakthrough Genomics
Classification: Likely benign. Review status: criteria provided, single submitter. Criteria: ACMG Guidelines, 2015. Collection method: not provided. Allele origin: germline. Inheritance: Autosomal recessive inheritance. Affected: yes.

NM_006260.5(DNAJC3):c.60C>T (p.Val20=)

Gene: DNAJC3 (DnaJ heat shock protein family (Hsp40) member C3; plus strand). Cytogenetic location: 13q32.1.
Variant type: single nucleotide variant.
Coding change: c.60C>T on transcript NM_006260.5 (MANE Select); coding-DNA position 60, C replaced by T.
Protein change: p.Val20=; no amino-acid change (valine 20 retained).
Molecular consequence: synonymous variant.
Genome position (GRCh38, 1-based): chr13:95,677,315, C>T. VCF-style: chr13-95677315-C-T. GRCh37 (hg19) VCF-style: chr13-96329569-C-T.
Identifiers: ClinVar variation 773036 (VCV000773036.7), dbSNP rs200556669, ClinGen allele CA7021163.